The following is an entry in ClinVar:

ClinVar aggregate classification (germline): Uncertain significance (1 of 4 stars; one submission).

Submission:

GeneDx
Classification: Uncertain significance. Last evaluated: 2020-11-16. Review status: criteria provided, single submitter. Criteria: GeneDx Variant Classification Process June 2021. Collection method: clinical testing. Allele origin: germline. Affected: yes.
Comment: Has not been previously published as pathogenic or benign to our knowledge; Not observed in large population cohorts (Lek et al., 2016); In-frame duplication of one amino acid residue in a non-repeat region

NM_000229.2(LCAT):c.868_870dup (p.Ile290dup)

Gene: LCAT (lecithin-cholesterol acyltransferase; minus strand). Cytogenetic location: 16q22.1.
Variant type: Duplication.
Coding change: c.868_870dup on transcript NM_000229.2 (MANE Select); coding-DNA positions 868 to 870, 3 bases duplicated (ATT; older notation c.868_870dupATT).
Protein change: p.Ile290dup; duplicates isoleucine 290.
Molecular consequence: inframe insertion.
Genome position (GRCh38, 1-based): chr16:67,940,357-67,940,359, AAT duplicated on the plus strand (ATT on the coding strand, the reverse complement: LCAT is on the minus strand). VCF-style (leftmost placement, unchanged base first): chr16-67940356-A-AAAT. GRCh37 (hg19) VCF-style: chr16-67974259-A-AAAT.
Identifiers: ClinVar variation 1313553 (VCV001313553.2), dbSNP rs2151319984, ClinGen allele CA2573054258.